The following is an entry in ClinVar:

NM_004281.4(BAG3):c.1394T>C (p.Leu465Pro)

Gene: BAG3 (BAG cochaperone 3; plus strand). Cytogenetic location: 10q26.11.
Variant type: single nucleotide variant.
Coding change: c.1394T>C on transcript NM_004281.4 (MANE Select); coding-DNA position 1394, T replaced by C.
Protein change: p.Leu465Pro; replaces leucine 465 with proline.
Molecular consequence: missense variant.
Genome position (GRCh38, 1-based): chr10:119,676,948, T>C. VCF-style: chr10-119676948-T-C. GRCh37 (hg19) VCF-style: chr10-121436460-T-C.
Other names: short protein forms L465P.
Identifiers: ClinVar variation 582522 (VCV000582522.11), dbSNP rs1564776841, ClinGen allele CA378297232.

ClinVar aggregate classification (germline): Uncertain significance (1 of 4 stars; one submission).

Conditions:
Dilated cardiomyopathy 1HH (CMD1HH). Identifiers: Orphanet 154, MedGen C3151293, MONDO:0013479, OMIM 613881.
Myofibrillar myopathy 6. Identifiers: Orphanet 199340, MedGen C2751831, MONDO:0013061, OMIM 612954.

Submission:

Labcorp Genetics (formerly Invitae), Labcorp
Classification: Uncertain significance for Dilated cardiomyopathy 1HH; Myofibrillar myopathy 6. Last evaluated: 2025-04-23. Review status: criteria provided, single submitter. Criteria: Invitae Variant Classification Sherloc (09022015). Collection method: clinical testing. Allele origin: germline.
Comment: This sequence change replaces leucine, which is neutral and non-polar, with proline, which is neutral and non-polar, at codon 465 of the BAG3 protein (p.Leu465Pro). This variant is not present in population databases (gnomAD no frequency). This variant has not been reported in the literature in individuals affected with BAG3-related conditions. ClinVar contains an entry for this variant (Variation ID: 582522). Invitae Evidence Modeling of protein sequence and biophysical properties (such as structural, functional, and spatial information, amino acid conservation, physicochemical variation, residue mobility, and thermodynamic stability) indicates that this missense variant is expected to disrupt BAG3 protein function with a positive predictive value of 80%. In summary, the available evidence is currently insufficient to determine the role of this variant in disease. Therefore, it has been classified as a Variant of Uncertain Significance.